The following continues an entry in ClinVar:

NM_002693.3(POLG):c.3287G>A (p.Arg1096His)

Gene: POLG. ClinVar aggregate classification (germline): Conflicting classifications of pathogenicity. Pathogenic (7); Likely pathogenic (1); Uncertain significance (1).

Submissions 8 to 10 of 10:

Wong Mito Lab, Molecular and Human Genetics, Baylor College of Medicine
Classification: Pathogenic for Progressive sclerosing poliodystrophy. Last evaluated: 2018-10-01. Review status: criteria provided, single submitter. Criteria: ACMG Guidelines, 2015. Collection method: clinical testing. Allele origin: germline.
Comment: The NM_002693.2:c.3287G>A (NP_002684.1:p.Arg1096His) [GRCH38: NC_000015.10:g.89318736C>T] variant in POLG gene is interpretated to be a Pathogenic based on ACMG guidelines (PMID: 25741868). This variant meets the following evidence codes reported in the ACMG-guideline. PS1:This variation causes same amino-acid change as an established pathogenic variant. PS3:Well established functional studies show a deleterious effect on POLG. PM2:This variant is absent in key population databases. PM3:Detected in trans with a pathogenic variant for Mitochondrial DNA depletion syndrome 4A (Alpers type) which is a recessive disorder. PP1:This variant is co-segregated with Mitochondrial DNA depletion syndrome 4A (Alpers type) in multiple affected family members. PP4:Patient's phenotype or family history is highly specific for POLG. Based on the evidence criteria codes applied, the variant is suggested to be Pathogenic.

Eurofins Ntd Llc (ga)
Classification: Uncertain significance. Last evaluated: 2017-02-09. Review status: criteria provided, single submitter. Criteria: EGL Classification Definitions 2015. Collection method: clinical testing. Allele origin: germline.

PreventionGenetics, part of Exact Sciences
Classification: Pathogenic for POLG-related condition. Last evaluated: 2024-03-13. Review status: no assertion criteria provided. Collection method: clinical testing. Allele origin: germline. Not counted in ClinVar's aggregate classification.
Comment: The POLG c.3287G>A variant is predicted to result in the amino acid substitution p.Arg1096His. This variant has been reported in the heterozygous state along with a second POLG variant in individuals with Alpers syndrome, cerebellar ataxia plus sensory neuropathy or external ophthalmoplegia, as well as epilepsy (Table 1, Agostino et al. 2003. PubMed ID: 12707443; Table 1, Horvath et al. 2006. PubMed ID: 16621917; Table 1, Schulte et al. 2009. PubMed ID: 19752458; Savard et al. 2013. PubMed ID: 23873972; Confirmed in the compound heterozygous state, Schicks et al. 2010. PubMed ID: 20803511). Experimental analyses using a yeast-based system suggest this variant leads to a reduction in polymerase activity (Table 1, Stumpf et al. 2010. PubMed ID: 20185557). This variant is reported in 0.012% of alleles in individuals of African descent in gnomAD. An alternate nucleotide change affecting the same amino acid (p.Arg1096Cys) has been reported in individuals with POLG-associated disorders and experimental studies suggest it leads to impaired POLG polymerase activity (Mohamed et al. 2011. PubMed ID: 21305355; Table 1, Stumpf et al. 2010. PubMed ID: 20185557). The c.3287G>A (p.Arg1096His) variant is interpreted as pathogenic for autosomal recessive POLG1-associated disorders.

Literature cited by the submitters: PubMed 16621917 (cited by 4 submitters); PubMed 19752458 (cited by 4 submitters); PubMed 20185557 (cited by Ambry Genetics and Labcorp Genetics (formerly Invitae), Labcorp); PubMed 23208208 (cited by Ambry Genetics and Labcorp Genetics (formerly Invitae), Labcorp); PubMed 33046616 (cited by Ambry Genetics and Dasa); PubMed 34690748 (cited by Ambry Genetics and Dasa); PubMed 35289132 (cited by 3 submitters); PubMed 36518302 (cited by Ambry Genetics); PubMed 12707443 (cited by Labcorp Genetics (formerly Invitae), Labcorp); PubMed 21305355 (cited by Labcorp Genetics (formerly Invitae), Labcorp); PubMed 21880868 (cited by Labcorp Genetics (formerly Invitae), Labcorp); PubMed 22189570 (cited by Labcorp Genetics (formerly Invitae), Labcorp); PubMed 23545419 (cited by Labcorp Genetics (formerly Invitae), Labcorp); PubMed 24265579 (cited by Labcorp Genetics (formerly Invitae), Labcorp); PubMed 25129007 (cited by Women's Health and Genetics/Laboratory Corporation of America, LabCorp); PubMed 23873972 (cited by Women's Health and Genetics/Laboratory Corporation of America, LabCorp).